The following is an entry in ClinVar:

ClinVar aggregate classification (germline): Benign. Review status: reviewed by expert panel (3 of 4 stars). 7 submissions from 7 submitters: Benign (1). 6 of the submissions do not count toward it. Last evaluated 2024-08-07.

Conditions:
DNM2-related disorder. Also called: DNM2-related condition.
Inborn genetic diseases. Identifiers: MedGen C0950123, MeSH D030342.
Centronuclear myopathy (CNM). Also called: Centronuclear myopathy, congenital; Myotubular myopathy. Identifiers: Orphanet 595, MedGen C0175709, MONDO:0018947. Inheritance: All.
Charcot-Marie-Tooth disease dominant intermediate B (CMTDIB). Also called: CHARCOT-MARIE-TOOTH NEUROPATHY, DOMINANT INTERMEDIATE B; Charcot-Marie-Tooth disease dominant intermediate 1; CMT DI1; Charcot-Marie-Tooth disease dominant intermediate I. Identifiers: Orphanet 100044, Orphanet 228179, MedGen C1847902, MONDO:0011674, OMIM 606482.

Allele frequency attached by ClinVar (database versions not stated): gnomAD exomes 0.00001; gnomAD 0.00003; TOPMed 0.00003.
gnomAD v4.1: 21 of 1,480,960 alleles (0.0014%); highest among the groups gnomAD compares: African/African-American, 0.0059%; no homozygotes.

Submissions (7):

ClinGen Congenital Myopathies Variant Curation Expert Panel, ClinGen
Classification: Benign for Centronuclear myopathy. Last evaluated: 2024-08-07. Review status: reviewed by expert panel. Criteria: ClinGen CongenMyopathy ACMG Specifications DNM2 V1.0.0. Collection method: curation. Allele origin: germline. Inheritance: Autosomal dominant inheritance.
Comment: The c.8A>G variant in DNM2 is a missense variant predicted to cause substitution of asparagine by serine at amino acid 3. The highest population filtering allele frequency in gnomAD v4.1 is 0.00001190 (2/43076 alleles) in the Admixed American population, which is higher than the ClinGen Congenital Myopathies VCEP threshold (≥0.0000015) for BA1, and therefore meets this criterion (BA1). The computational predictor REVEL gives a score of 0.57, which is neither above nor below the thresholds predicting a damaging or benign impact on DNM2 function. DNM2, in which the variant was identified, is defined by the ClinGen Congenital Myopathies VCEP as a gene that has a low rate of benign missense variation and where pathogenic missense variants are a common mechanism of disease (PP2, not applied for this variant due to high allele frequency). In summary, this variant meets the criteria to be classified as benign for autosomal dominant centronuclear myopathy based on the ACMG/AMP criteria applied, as specified by the ClinGen Congenital Myopathies VCEP: BA1. (Congenital Myopathies VCEP specifications version 1; 8/7/24)

Labcorp Genetics (formerly Invitae), Labcorp
Classification: Uncertain significance for Charcot-Marie-Tooth disease dominant intermediate B. Last evaluated: 2025-11-12. Review status: criteria provided, single submitter. Criteria: Invitae Variant Classification Sherloc (09022015). Collection method: clinical testing. Allele origin: germline. Not counted in ClinVar's aggregate classification.
Comment: This sequence change replaces asparagine, which is neutral and polar, with serine, which is neutral and polar, at codon 3 of the DNM2 protein (p.Asn3Ser). The frequency data for this variant in the population databases is considered unreliable, as metrics indicate poor data quality at this position in the gnomAD database. This variant has not been reported in the literature in individuals affected with DNM2-related conditions. ClinVar contains an entry for this variant (Variation ID: 424401). Invitae Evidence Modeling of protein sequence and biophysical properties (such as structural, functional, and spatial information, amino acid conservation, physicochemical variation, residue mobility, and thermodynamic stability) indicates that this missense variant is expected to disrupt DNM2 protein function with a positive predictive value of 80%. In summary, the available evidence is currently insufficient to determine the role of this variant in disease. Therefore, it has been classified as a Variant of Uncertain Significance.

PreventionGenetics, part of Exact Sciences
Classification: Uncertain significance for DNM2-related condition. Last evaluated: 2025-09-15. Review status: criteria provided, single submitter. Criteria: ACMG Guidelines, 2015. Collection method: clinical testing. Allele origin: germline. Not counted in ClinVar's aggregate classification.
Comment: The DNM2 c.8A>G variant is predicted to result in the amino acid substitution p.Asn3Ser. To our knowledge, this variant has not been reported in the literature. This variant is reported in 0.0059% of alleles in individuals of Latino descent in gnomAD. At this time, the clinical significance of this variant is uncertain due to the absence of conclusive functional and genetic evidence.

Ambry Genetics
Classification: Uncertain significance for Inborn genetic diseases. Last evaluated: 2024-10-09. Review status: criteria provided, single submitter. Criteria: Ambry Variant Classification Scheme 2023. Collection method: clinical testing. Allele origin: germline. Not counted in ClinVar's aggregate classification.

Mayo Clinic Laboratories, Mayo Clinic
Classification: Uncertain significance. Last evaluated: 2020-04-14. Review status: criteria provided, single submitter. Criteria: ACMG Guidelines, 2015. Collection method: clinical testing. Allele origin: germline. Observed: 1 variant allele. Not counted in ClinVar's aggregate classification.

Revvity Omics, Revvity
Classification: Uncertain significance. Last evaluated: 2019-11-08. Review status: criteria provided, single submitter. Criteria: ACMG Guidelines, 2015. Collection method: clinical testing. Allele origin: germline. Not counted in ClinVar's aggregate classification.

GeneDx
Classification: Uncertain significance. Last evaluated: 2019-05-01. Review status: criteria provided, single submitter. Criteria: GeneDx Variant Classification Process June 2021. Collection method: clinical testing. Allele origin: germline. Affected: yes. Not counted in ClinVar's aggregate classification.
Comment: Has not been previously published as pathogenic or benign to our knowledge; In silico analysis, which includes protein predictors and evolutionary conservation, supports a deleterious effect

NM_001005361.3(DNM2):c.8A>G (p.Asn3Ser)

Genes: DNM2 (dynamin 2; plus strand), LOC130063529 (ATAC-STARR-seq lymphoblastoid silent region 10090; plus strand). Cytogenetic location: 19p13.2.
Variant type: single nucleotide variant.
Coding change: c.8A>G on transcript NM_001005361.3 (MANE Select); coding-DNA position 8, A replaced by G.
Protein change: p.Asn3Ser; replaces asparagine 3 with serine.
Molecular consequence: missense variant.
Genome position (GRCh38, 1-based): chr19:10,718,250, A>G. VCF-style: chr19-10718250-A-G. GRCh37 (hg19) VCF-style: chr19-10828926-A-G.
Other names: NM_001005361.3(DNM2):c.8A>G; c.8A>G, p.Asn3Ser (NM_001005360.3, NM_001005362.3, NM_001190716.2 and 1 more transcripts); short protein forms N3S.
Identifiers: ClinVar variation 424401 (VCV000424401.23), dbSNP rs890297188, ClinGen allele CA16620725.
Genomic context (GRCh38, chr19:10,718,250, plus strand): 5'-GGTCGGCGGCGGGCGAGGAGCGCAGGGCGCTCGGGCCGGGGGCCGCCGGCGCCATGGGCA[A>G]CCGCGGGATGGAAGAGCTGATCCCGCTGGTCAACAAACTGCAGGACGCCTTCAGCTCCAT-3'
Protein context (NP_001005361.1, residues 1-13): MG[Asn3Ser]RGMEELIPLV